The following is an entry in ClinVar:

NM_001366521.1(ATP2B1):c.401A>G (p.Asn134Ser)

Gene: ATP2B1 (ATPase plasma membrane Ca2+ transporting 1; minus strand). Cytogenetic location: 12q21.33.
Variant type: single nucleotide variant.
Coding change: c.401A>G on transcript NM_001366521.1 (MANE Select); coding-DNA position 401, A replaced by G.
Protein change: p.Asn134Ser; replaces asparagine 134 with serine.
Molecular consequence: missense variant. On other transcripts: non-coding transcript variant (3), intron variant (3).
Genome position (GRCh38, 1-based): chr12:89,642,163, T>C on the plus strand (A>G on the coding strand, the complement: ATP2B1 is on the minus strand). VCF-style: chr12-89642163-T-C. GRCh37 (hg19) VCF-style: chr12-90035940-T-C.
Other names: c.401A>G, p.Asn134Ser (NM_001366529.1, NM_001366531.1, NM_001366532.1 and 23 more transcripts); c.209-6912A>G (NM_001413053.1, NM_001366530.1); c.209-7260A>G (NM_001413057.1); short protein forms N134S.
Identifiers: ClinVar variation 4875266 (VCV004875266.2).

ClinVar aggregate classification (germline): Uncertain significance (1 of 4 stars; one submission).

Submission:

CeGaT Center for Human Genetics Tuebingen
Classification: Uncertain significance. Last evaluated: 2026-06-01. Review status: criteria provided, single submitter. Criteria: CeGaT Center For Human Genetics Tuebingen Variant Classification Criteria Version 2. Collection method: clinical testing. Allele origin: germline. Affected: yes. Observed: 1 variant allele.
Comment: ATP2B1: PM2, PP2